The following is an entry in ClinVar:

NM_001382241.1(TNPO2):c.1106A>G (p.Asp369Gly)

Gene: TNPO2 (transportin 2; minus strand). Cytogenetic location: 19p13.13.
Variant type: single nucleotide variant.
Coding change: c.1106A>G on transcript NM_001382241.1 (MANE Select); coding-DNA position 1106, A replaced by G.
Protein change: p.Asp369Gly; replaces aspartic acid 369 with glycine.
Molecular consequence: missense variant. On other transcripts: non-coding transcript variant (5).
Genome position (GRCh38, 1-based): chr19:12,711,307, T>C on the plus strand (A>G on the coding strand, the complement: TNPO2 is on the minus strand). VCF-style: chr19-12711307-T-C. GRCh37 (hg19) VCF-style: chr19-12822121-T-C.
Other names: c.1106A>G, p.Asp369Gly (NM_001136195.2, NM_001136196.2, NM_001382236.1 and 7 more transcripts); short protein forms D369G.
Identifiers: ClinVar variation 2633666 (VCV002633666.1), dbSNP rs2512686265, ClinGen allele CA404245993.

ClinVar aggregate classification (germline): Uncertain significance (1 of 4 stars; one submission).

Conditions:
TNPO2-related disorder. Also called: TNPO2-related condition.

Submission:

PreventionGenetics, part of Exact Sciences
Classification: Uncertain significance for TNPO2-related condition. Last evaluated: 2023-03-27. Review status: criteria provided, single submitter. Criteria: ACMG Guidelines, 2015. Collection method: clinical testing. Allele origin: germline.
Comment: The TNPO2 c.1106A>G variant is predicted to result in the amino acid substitution p.Asp369Gly. To our knowledge, this variant has not been reported in the literature or in a large population database, indicating this variant is rare. At this time, the clinical significance of this variant is uncertain due to the absence of conclusive functional and genetic evidence.